The following is an entry in ClinVar:

NM_014334.4(FRRS1L):c.-81G>C

Gene: FRRS1L (ferric chelate reductase 1 like; minus strand). Cytogenetic location: 9q31.3.
Variant type: single nucleotide variant.
Coding change: c.-81G>C on transcript NM_014334.4 (MANE Select); 81 bases upstream of the start codon, G replaced by C.
Molecular consequence: 5 prime UTR variant.
Genome position (GRCh38, 1-based): chr9:109,167,219, C>G on the plus strand (G>C on the coding strand, the complement: FRRS1L is on the minus strand). VCF-style: chr9-109167219-C-G. GRCh37 (hg19) VCF-style: chr9-111929499-C-G.
Identifiers: ClinVar variation 937502 (VCV000937502.8), dbSNP rs1257708797, ClinGen allele CA374431000.
Genomic context (GRCh38, chr9:109,167,219, plus strand): 5'-GCCAGGCCGCTCGGGCCGCAGCGGGGGCGCCGCGGGCGCGGGCCGGGACTGAGCCTCCGC[C>G]GAGGCCACCAGCACGCGCCCGCGCAGCCGCGGAGCCTCCCGCACCCCCGCCTCCCTGCCT-3'

ClinVar aggregate classification (germline): Uncertain significance. Review status: criteria provided, multiple submitters, no conflicts (2 of 4 stars). 2 submissions from 2 submitters: Uncertain significance (2). Last evaluated 2024-03-05.

Conditions:
Developmental and epileptic encephalopathy, 37 (DEE37). Also called: Epileptic encephalopathy, early infantile, 37. Identifiers: MedGen C4310770, MONDO:0014859, OMIM 616981.
Inborn genetic diseases. Identifiers: MedGen C0950123, MeSH D030342.

Allele frequency attached by ClinVar (database versions not stated): gnomAD 0.00003; TOPMed 0.00005.
gnomAD v4.1: 26 of 1,344,438 alleles (0.0019%); highest among the groups gnomAD compares: Non-Finnish European, 0.0024%; no homozygotes.

Submissions (2):

Ambry Genetics
Classification: Uncertain significance for Inborn genetic diseases. Last evaluated: 2024-03-05. Review status: criteria provided, single submitter. Criteria: Ambry Variant Classification Scheme 2023. Collection method: clinical testing. Allele origin: germline.

Labcorp Genetics (formerly Invitae), Labcorp
Classification: Uncertain significance for Developmental and epileptic encephalopathy, 37. Last evaluated: 2022-04-20. Review status: criteria provided, single submitter. Criteria: Invitae Variant Classification Sherloc (09022015). Collection method: clinical testing. Allele origin: germline.
Comment: This sequence change replaces glycine, which is neutral and non-polar, with arginine, which is basic and polar, at codon 25 of the FRRS1L protein (p.Gly25Arg). This variant is present in population databases (no rsID available, gnomAD 0.007%). This variant has not been reported in the literature in individuals affected with FRRS1L-related conditions. ClinVar contains an entry for this variant (Variation ID: 937502). Algorithms developed to predict the effect of missense changes on protein structure and function are either unavailable or do not agree on the potential impact of this missense change (SIFT: "Deleterious"; PolyPhen-2: "Not Available"; Align-GVGD: "Class C0"). In summary, the available evidence is currently insufficient to determine the role of this variant in disease. Therefore, it has been classified as a Variant of Uncertain Significance.